The following is an entry in ClinVar:

NM_002227.4(JAK1):c.737A>G (p.Asp246Gly)

Gene: JAK1 (Janus kinase 1; minus strand). Cytogenetic location: 1p31.3.
Variant type: single nucleotide variant.
Coding change: c.737A>G on transcript NM_002227.4 (MANE Select); coding-DNA position 737, A replaced by G.
Protein change: p.Asp246Gly; replaces aspartic acid 246 with glycine.
Molecular consequence: missense variant.
Genome position (GRCh38, 1-based): chr1:64,867,119, T>C on the plus strand (A>G on the coding strand, the complement: JAK1 is on the minus strand). VCF-style: chr1-64867119-T-C. GRCh37 (hg19) VCF-style: chr1-65332802-T-C.
Other names: c.737A>G, p.Asp246Gly (NM_001320923.2, NM_001321852.2, NM_001321853.2 and 4 more transcripts); short protein forms D246G.
Identifiers: ClinVar variation 2819094 (VCV002819094.3), dbSNP rs2524256325, ClinGen allele CA340675931.

ClinVar aggregate classification (germline): Uncertain significance (1 of 4 stars; one submission).

Submission:

Labcorp Genetics (formerly Invitae), Labcorp
Classification: Uncertain significance. Last evaluated: 2022-12-07. Review status: criteria provided, single submitter. Criteria: Invitae Variant Classification Sherloc (09022015). Collection method: clinical testing. Allele origin: germline.
Comment: In summary, the available evidence is currently insufficient to determine the role of this variant in disease. Therefore, it has been classified as a Variant of Uncertain Significance. Advanced modeling of protein sequence and biophysical properties (such as structural, functional, and spatial information, amino acid conservation, physicochemical variation, residue mobility, and thermodynamic stability) performed at Invitae indicates that this missense variant is not expected to disrupt JAK1 protein function. This variant has not been reported in the literature in individuals affected with JAK1-related conditions. This variant is not present in population databases (gnomAD no frequency). This sequence change replaces aspartic acid, which is acidic and polar, with glycine, which is neutral and non-polar, at codon 246 of the JAK1 protein (p.Asp246Gly).